The following is an entry in ClinVar:

ClinVar aggregate classification (germline): Likely benign (1 of 4 stars; one submission).

Submission:

GeneDx
Classification: Likely benign. Last evaluated: 2018-02-09. Review status: criteria provided, single submitter. Criteria: GeneDx Variant Classification (06012015). Collection method: clinical testing. Allele origin: germline. Affected: yes.
Comment: This variant is considered likely benign or benign based on one or more of the following criteria: it is a conservative change, it occurs at a poorly conserved position in the protein, it is predicted to be benign by multiple in silico algorithms, and/or has population frequency not consistent with disease.

NM_194454.3(KRIT1):c.1563+10G>A

Gene: KRIT1 (KRIT1 ankyrin repeat containing; minus strand). Cytogenetic location: 7q21.2.
Variant type: single nucleotide variant.
Coding change: c.1563+10G>A on transcript NM_194454.3 (MANE Select); 10 bases into the intron after coding-DNA position 1563, G replaced by A.
Molecular consequence: intron variant.
Genome position (GRCh38, 1-based): chr7:92,221,892, C>T on the plus strand (G>A on the coding strand, the complement: KRIT1 is on the minus strand). VCF-style: chr7-92221892-C-T. GRCh37 (hg19) VCF-style: chr7-91851206-C-T.
Other names: c.1563+10G>A (NM_001350672.1, NM_001350676.1, NM_001350673.1 and 26 more transcripts); c.1419+10G>A (NM_001350669.1, NM_001013406.2, NM_001350670.1); c.849+10G>A (NM_001350671.1).
Identifiers: ClinVar variation 515500 (VCV000515500.1), dbSNP rs1554512600, ClinGen allele CA658796964.